The following is an entry in ClinVar:

ClinVar aggregate classification (germline): Uncertain significance. Review status: criteria provided, single submitter (1 of 4 stars). 2 submissions from 2 submitters: Uncertain significance (1). 1 of the submissions does not count toward it. Last evaluated 2022-02-24.

Conditions:
Retinitis pigmentosa 25 (RP25). Identifiers: Orphanet 791, MedGen C1864446, MONDO:0011272, OMIM 602772.

Allele frequency attached by ClinVar (database versions not stated): gnomAD exomes below 0.00001; gnomAD 0.00001; TOPMed 0.00001.
gnomAD v4.1: 4 of 1,517,360 alleles (0.00026%); highest among the groups gnomAD compares: African/African-American, 0.0042%; no homozygotes.

Submissions (2):

Labcorp Genetics (formerly Invitae), Labcorp
Classification: Uncertain significance. Last evaluated: 2022-02-24. Review status: criteria provided, single submitter. Criteria: Invitae Variant Classification Sherloc (09022015). Collection method: clinical testing. Allele origin: germline.
Comment: This sequence change affects codon 2190 of the EYS mRNA. It is a 'silent' change, meaning that it does not change the encoded amino acid sequence of the EYS protein. It affects a nucleotide within the consensus splice site. This variant is not present in population databases (gnomAD no frequency). This variant has not been reported in the literature in individuals affected with EYS-related conditions. Algorithms developed to predict the effect of sequence changes on RNA splicing suggest that this variant is not likely to affect RNA splicing. In summary, the available evidence is currently insufficient to determine the role of this variant in disease. Therefore, it has been classified as a Variant of Uncertain Significance.

Natera, Inc.
Classification: Uncertain significance for Retinitis pigmentosa type 25. Last evaluated: 2025-05-05. Review status: no assertion criteria provided. Collection method: clinical testing. Allele origin: germline. Not counted in ClinVar's aggregate classification.

NM_001142800.2(EYS):c.6570C>T (p.Tyr2190=)

Gene: EYS (eyes shut homolog; minus strand). Cytogenetic location: 6q12.
Variant type: single nucleotide variant.
Coding change: c.6570C>T on transcript NM_001142800.2 (MANE Select); coding-DNA position 6570, C replaced by T.
Protein change: p.Tyr2190=; no amino-acid change (tyrosine 2190 retained).
Molecular consequence: synonymous variant.
Genome position (GRCh38, 1-based): chr6:64,081,857, G>A on the plus strand (C>T on the coding strand, the complement: EYS is on the minus strand). VCF-style: chr6-64081857-G-A. GRCh37 (hg19) VCF-style: chr6-64791750-G-A.
Other names: c.6570C>T, p.Tyr2190= (NM_001292009.2); c.6570C>T (NM_001142800.1).
Identifiers: ClinVar variation 1379246 (VCV001379246.6), dbSNP rs892427334, ClinGen allele CA140278468.